The following is an entry in ClinVar:

NM_198075.4(LRRC56):c.242G>A (p.Arg81His)

Gene: LRRC56 (leucine rich repeat containing 56; plus strand). Cytogenetic location: 11p15.5.
Variant type: single nucleotide variant.
Coding change: c.242G>A on transcript NM_198075.4 (MANE Select); coding-DNA position 242, G replaced by A.
Protein change: p.Arg81His; replaces arginine 81 with histidine.
Molecular consequence: missense variant.
Genome position (GRCh38, 1-based): chr11:541,601, G>A. VCF-style: chr11-541601-G-A. GRCh37 (hg19) VCF-style: chr11-541601-G-A.
Other names: short protein forms R81H.
Identifiers: ClinVar variation 1494064 (VCV001494064.8), dbSNP rs116866926, ClinGen allele CA5779570.

ClinVar aggregate classification (germline): Uncertain significance (1 of 4 stars; one submission).

gnomAD v4.1: 10 of 1,584,220 alleles (0.00063%); highest among the groups gnomAD compares: East Asian, 0.0071%; no homozygotes.

Submission:

Labcorp Genetics (formerly Invitae), Labcorp
Classification: Uncertain significance. Last evaluated: 2023-12-11. Review status: criteria provided, single submitter. Criteria: Invitae Variant Classification Sherloc (09022015). Collection method: clinical testing. Allele origin: germline.
Comment: This sequence change replaces arginine, which is basic and polar, with histidine, which is basic and polar, at codon 81 of the LRRC56 protein (p.Arg81His). The frequency data for this variant in the population databases is considered unreliable, as metrics indicate poor data quality at this position in the gnomAD database. This variant has not been reported in the literature in individuals affected with LRRC56-related conditions. ClinVar contains an entry for this variant (Variation ID: 1494064). Advanced modeling of protein sequence and biophysical properties (such as structural, functional, and spatial information, amino acid conservation, physicochemical variation, residue mobility, and thermodynamic stability) performed at Invitae indicates that this missense variant is not expected to disrupt LRRC56 protein function with a negative predictive value of 80%. In summary, the available evidence is currently insufficient to determine the role of this variant in disease. Therefore, it has been classified as a Variant of Uncertain Significance.